The following is an entry in ClinVar:

ClinVar aggregate classification (germline): Uncertain significance (1 of 4 stars; one submission).

Conditions:
Malignant hyperthermia, susceptibility to, 1 (MHS1). Also called: Anesthesia related hyperthermia; Malignant hyperpyrexia; Fulminating hyperpyrexia; Pharmacogenic myopathy; Malignant hyperthermia suceptibility 1; RYR1-Related Malignant Hyperthermia Susceptibility. Identifiers: Orphanet 423, MedGen C2930980, MONDO:0007783, OMIM 145600.

Submission:

All of Us Research Program, National Institutes of Health
Classification: Uncertain significance for Malignant hyperthermia, susceptibility to, 1. Last evaluated: 2024-03-05. Review status: criteria provided, single submitter. Criteria: ACMG Guidelines, 2015. Collection method: clinical testing. Allele origin: germline. Inheritance: Autosomal dominant inheritance. Observed: 1 variant allele, 1 heterozygote.
Comment: This study involves interpretation of variants in research participants for the purpose of population health screening. Participant phenotype was not available at the time of variant classification. Additional details can be found in publication PMID: 35346344, PMCID: PMC8962531

NM_000540.3(RYR1):c.6038A>G (p.Lys2013Arg)

Gene: RYR1 (ryanodine receptor 1; plus strand). Cytogenetic location: 19q13.2.
Variant type: single nucleotide variant.
Coding change: c.6038A>G on transcript NM_000540.3 (MANE Select); coding-DNA position 6038, A replaced by G.
Protein change: p.Lys2013Arg; replaces lysine 2013 with arginine.
Molecular consequence: missense variant.
Genome position (GRCh38, 1-based): chr19:38,490,643, A>G. VCF-style: chr19-38490643-A-G. GRCh37 (hg19) VCF-style: chr19-38981283-A-G.
Other names: c.6038A>G, p.Lys2013Arg (NM_001042723.2); short protein forms K2013R.
Identifiers: ClinVar variation 3385411 (VCV003385411.1).
Genomic context (GRCh38, chr19:38,490,643, plus strand): 5'-ATCTCAGACCCTCATTCTAATCTTTGACCTTCCCCTAGATCAATATGCTATTGCAATTCA[A>G]AGATGGTACAGATGAGGAAGACTGTCCTCTCCCTGAAGAGATTCGACAGGATTTGCTTGA-3'
Protein context (NP_000531.2, residues 2003-2023): QEQINMLLQF[Lys2013Arg]DGTDEEDCPL